The following is an entry in ClinVar:

NM_003072.5(SMARCA4):c.2212G>T (p.Val738Phe)

Gene: SMARCA4 (SWI/SNF related BAF chromatin remodeling complex subunit ATPase 4; plus strand). Cytogenetic location: 19p13.2.
Variant type: single nucleotide variant.
Coding change: c.2212G>T on transcript NM_003072.5 (MANE Select); coding-DNA position 2212, G replaced by T.
Protein change: p.Val738Phe; replaces valine 738 with phenylalanine.
Molecular consequence: missense variant. On other transcripts: non-coding transcript variant (1).
Genome position (GRCh38, 1-based): chr19:11,010,469, G>T. VCF-style: chr19-11010469-G-T. GRCh37 (hg19) VCF-style: chr19-11121145-G-T.
Other names: c.2212G>T, p.Val738Phe (NM_001128844.3, NM_001128845.2, NM_001128846.2 and 4 more transcripts); short protein forms V738F.
Identifiers: ClinVar variation 947618 (VCV000947618.9), dbSNP rs370273427, ClinGen allele CA404052843.

ClinVar aggregate classification (germline): Uncertain significance (1 of 4 stars; one submission).

Conditions:
Rhabdoid tumor predisposition syndrome 2 (RTPS2). Identifiers: Orphanet 231108, Orphanet 69077, MedGen C2750074, MONDO:0013224, OMIM 613325.

Submission:

Labcorp Genetics (formerly Invitae), Labcorp
Classification: Uncertain significance for Rhabdoid tumor predisposition syndrome 2. Last evaluated: 2022-07-12. Review status: criteria provided, single submitter. Criteria: Invitae Variant Classification Sherloc (09022015). Collection method: clinical testing. Allele origin: germline.
Comment: In summary, the available evidence is currently insufficient to determine the role of this variant in disease. Therefore, it has been classified as a Variant of Uncertain Significance. Algorithms developed to predict the effect of missense changes on protein structure and function are either unavailable or do not agree on the potential impact of this missense change (SIFT: "Deleterious"; PolyPhen-2: "Benign"; Align-GVGD: "Class C0"). ClinVar contains an entry for this variant (Variation ID: 947618). This variant has not been reported in the literature in individuals affected with SMARCA4-related conditions. This variant is not present in population databases (gnomAD no frequency). This sequence change replaces valine, which is neutral and non-polar, with phenylalanine, which is neutral and non-polar, at codon 738 of the SMARCA4 protein (p.Val738Phe).